The following is an entry in ClinVar:

NM_173628.4(DNAH17):c.4531A>G (p.Thr1511Ala)

Genes: DNAH17 (dynein axonemal heavy chain 17; minus strand), LOC126862654 (MED14-independent group 3 enhancer GRCh37_chr17:76502868-76504067; plus strand). Cytogenetic location: 17q25.3.
Variant type: single nucleotide variant.
Coding change: c.4531A>G on transcript NM_173628.4 (MANE Select); coding-DNA position 4531, A replaced by G.
Protein change: p.Thr1511Ala; replaces threonine 1511 with alanine.
Molecular consequence: missense variant.
Genome position (GRCh38, 1-based): chr17:78,507,511, T>C on the plus strand (A>G on the coding strand, the complement: DNAH17 is on the minus strand). VCF-style: chr17-78507511-T-C. GRCh37 (hg19) VCF-style: chr17-76503593-T-C.
Other names: short protein forms T1511A.
Identifiers: ClinVar variation 402690 (VCV000402690.9), dbSNP rs9896398, ClinGen allele CA8803741.

ClinVar aggregate classification (germline): Benign. Review status: criteria provided, multiple submitters, no conflicts (2 of 4 stars). 4 submissions from 4 submitters: Benign (3). 1 of the submissions does not count toward it. Last evaluated 2021-05-04.

Conditions:
DNAH17-related disorder. Also called: DNAH17-related condition.

Allele frequency attached by ClinVar (database versions not stated): gnomAD exomes 0.56281 and 0.60484; ExAC 0.57368; 1000 Genomes Project 0.57847; 1000 Genomes Project 30x 0.58073; TOPMed 0.62332; gnomAD 0.62391 and 0.63041; ESP Exome Variant Server 0.65398.
gnomAD v4.1: 979,287 of 1,613,342 alleles (61%); highest among the groups gnomAD compares: African/African-American, 74%; 301,130 homozygotes.

Submissions (4):

GeneDx
Classification: Benign. Last evaluated: 2021-05-04. Review status: criteria provided, single submitter. Criteria: GeneDx Variant Classification Process June 2021. Collection method: clinical testing. Allele origin: germline. Affected: yes.

Laboratory for Molecular Medicine, Mass General Brigham Personalized Medicine
Classification: Benign. Last evaluated: 2016-03-29. Review status: criteria provided, single submitter. Criteria: LMM Criteria. Collection method: clinical testing. Allele origin: germline.
Comment: Variant identified in a genome or exome case(s) and assessed due to predicted null impact of the variant or pathogenic assertions in the literature or databases. Disclaimer: This variant has not undergone full assessment. The following are preliminary notes: Frequency

Breakthrough Genomics
Classification: Benign. Review status: criteria provided, single submitter. Criteria: ACMG Guidelines, 2015. Collection method: not provided. Allele origin: germline. Inheritance: Autosomal recessive inheritance. Affected: yes.

PreventionGenetics, part of Exact Sciences
Classification: Benign for DNAH17-related condition. Last evaluated: 2019-10-17. Review status: no assertion criteria provided. Collection method: clinical testing. Allele origin: germline. Not counted in ClinVar's aggregate classification.
Comment: This variant is classified as benign based on ACMG/AMP sequence variant interpretation guidelines (Richards et al. 2015 PMID: 25741868, with internal and published modifications).